The following is an entry in ClinVar:

NM_145290.4(ADGRA3):c.3538C>T (p.Arg1180Trp)

Gene: ADGRA3 (adhesion G protein-coupled receptor A3; minus strand). Cytogenetic location: 4p15.2.
Variant type: single nucleotide variant.
Coding change: c.3538C>T on transcript NM_145290.4 (MANE Select); coding-DNA position 3538, C replaced by T.
Protein change: p.Arg1180Trp; replaces arginine 1180 with tryptophan.
Molecular consequence: missense variant.
Genome position (GRCh38, 1-based): chr4:22,388,133, G>A on the plus strand (C>T on the coding strand, the complement: ADGRA3 is on the minus strand). VCF-style: chr4-22388133-G-A. GRCh37 (hg19) VCF-style: chr4-22389756-G-A.
Other names: short protein forms R1180W.
Identifiers: ClinVar variation 1931875 (VCV001931875.5), dbSNP rs753338561, ClinGen allele CA2873349.

ClinVar aggregate classification (germline): Uncertain significance (1 of 4 stars; one submission).

Allele frequency attached by ClinVar (database versions not stated): gnomAD 0.00001; gnomAD exomes 0.00001; TOPMed 0.00001; ExAC 0.00002.
gnomAD v4.1: 12 of 1,613,926 alleles (0.00074%); highest among the groups gnomAD compares: Admixed American, 0.005%; no homozygotes.

Submission:

Labcorp Genetics (formerly Invitae), Labcorp
Classification: Uncertain significance. Last evaluated: 2022-08-05. Review status: criteria provided, single submitter. Criteria: Invitae Variant Classification Sherloc (09022015). Collection method: clinical testing. Allele origin: germline.
Comment: This variant is present in population databases (rs753338561, gnomAD 0.006%). This sequence change replaces arginine, which is basic and polar, with tryptophan, which is neutral and slightly polar, at codon 1180 of the ADGRA3 protein (p.Arg1180Trp). This variant has not been reported in the literature in individuals affected with ADGRA3-related conditions. In summary, the available evidence is currently insufficient to determine the role of this variant in disease. Therefore, it has been classified as a Variant of Uncertain Significance. Algorithms developed to predict the effect of missense changes on protein structure and function (SIFT, PolyPhen-2, Align-GVGD) all suggest that this variant is likely to be disruptive.